The following is an entry in ClinVar:

ClinVar aggregate classification (germline): Uncertain significance (1 of 4 stars; one submission).

Conditions:
Hereditary cancer-predisposing syndrome. Also called: Tumor predisposition; Hereditary Cancer Syndrome; Neoplastic Syndromes, Hereditary; Hereditary neoplastic syndrome. Identifiers: Orphanet 140162, MedGen C0027672, MeSH D009386, MONDO:0015356.

Submission:

Ambry Genetics
Classification: Uncertain significance for Hereditary cancer-predisposing syndrome. Last evaluated: 2022-01-19. Review status: criteria provided, single submitter. Criteria: Ambry Variant Classification Scheme 2023. Collection method: clinical testing. Allele origin: germline.
Comment: The p.S908Y variant (also known as c.2723C>A), located in coding exon 15 of the APC gene, results from a C to A substitution at nucleotide position 2723. The serine at codon 908 is replaced by tyrosine, an amino acid with dissimilar properties. This amino acid position is conserved. In addition, in silico predictors for this gene do not accurately predict pathogenicity. Since supporting evidence is limited at this time, the clinical significance of this alteration remains unclear.

NM_000038.6(APC):c.2723C>A (p.Ser908Tyr)

Gene: APC (APC regulator of Wnt signaling pathway; plus strand). Cytogenetic location: 5q22.2.
Variant type: single nucleotide variant.
Coding change: c.2723C>A on transcript NM_000038.6 (MANE Select); coding-DNA position 2723, C replaced by A.
Protein change: p.Ser908Tyr; replaces serine 908 with tyrosine.
Molecular consequence: missense variant.
Genome position (GRCh38, 1-based): chr5:112,838,317, C>A. VCF-style: chr5-112838317-C-A. GRCh37 (hg19) VCF-style: chr5-112174014-C-A.
Other names: c.2723C>A, p.Ser908Tyr (NM_001127510.3, NM_001354895.2, NM_001407450.1); c.2669C>A, p.Ser890Tyr (NM_001127511.3); c.2777C>A, p.Ser926Tyr (NM_001354896.2, NM_001407447.1, NM_001407448.1 and 1 more transcripts); c.2753C>A, p.Ser918Tyr (NM_001354897.2); c.2648C>A, p.Ser883Tyr (NM_001354898.2); c.2639C>A, p.Ser880Tyr (NM_001354899.2); c.2600C>A, p.Ser867Tyr (NM_001354900.2); c.2546C>A, p.Ser849Tyr (NM_001354901.2, NM_001407453.1); and 11 more; short protein forms S625Y, S782Y, S817Y, S849Y, S867Y, S880Y, S898Y, S901Y.
Identifiers: ClinVar variation 1795213 (VCV001795213.2), dbSNP rs746393911, ClinGen allele CA16027273.